The following is an entry in ClinVar:

ClinVar aggregate classification (germline): Uncertain significance (1 of 4 stars; one submission).

Conditions:
Hereditary cancer-predisposing syndrome. Also called: Neoplastic Syndromes, Hereditary; Tumor predisposition; Hereditary Cancer Syndrome; Hereditary neoplastic syndrome. Identifiers: Orphanet 140162, MedGen C0027672, MeSH D009386, MONDO:0015356.

Submission:

Color Diagnostics, LLC DBA Color Health
Classification: Uncertain significance for Hereditary cancer-predisposing syndrome. Last evaluated: 2023-12-04. Review status: criteria provided, single submitter. Criteria: ACMG Guidelines, 2015. Collection method: clinical testing. Allele origin: germline.
Comment: This missense variant replaces threonine with serine at codon 283 of the RAD51C protein. Computational prediction suggests that this variant may not impact protein structure and function (internally defined REVEL score threshold <= 0.5, PMID: 27666373). To our knowledge, functional studies have not been reported for this variant. This variant has not been reported in individuals affected with RAD51C-related disorders in the literature. This variant has not been identified in the general population by the Genome Aggregation Database (gnomAD). The available evidence is insufficient to determine the role of this variant in disease conclusively. Therefore, this variant is classified as a Variant of Uncertain Significance.

NM_058216.3(RAD51C):c.848C>G (p.Thr283Ser)

Gene: RAD51C (RAD51 paralog C; plus strand). Cytogenetic location: 17q22.
Variant type: single nucleotide variant.
Coding change: c.848C>G on transcript NM_058216.3 (MANE Select); coding-DNA position 848, C replaced by G.
Protein change: p.Thr283Ser; replaces threonine 283 with serine.
Molecular consequence: missense variant. On other transcripts: non-coding transcript variant (1).
Genome position (GRCh38, 1-based): chr17:58,720,756, C>G. VCF-style: chr17-58720756-C-G. GRCh37 (hg19) VCF-style: chr17-56798117-C-G.
Other names: short protein forms T283S.
Identifiers: ClinVar variation 919485 (VCV000919485.4), dbSNP rs2048889687, ClinGen allele CA400359371.